The following is an entry in ClinVar:

ClinVar aggregate classification (germline): Uncertain significance. Review status: criteria provided, multiple submitters, no conflicts (2 of 4 stars). 2 submissions from 2 submitters: Uncertain significance (2). Last evaluated 2025-02-12.

Conditions:
Inborn genetic diseases. Identifiers: MedGen C0950123, MeSH D030342.
Pulmonary fibrosis and/or bone marrow failure, Telomere-related, 3. Also called: PULMONARY FIBROSIS AND/OR BONE MARROW FAILURE SYNDROME, TELOMERE-RELATED, 3. Identifiers: Orphanet 2032, MedGen C4225346, MONDO:0014613, OMIM 616373.
Dyskeratosis congenita, autosomal recessive 5 (DKCB5). Identifiers: MedGen C3554656, MONDO:0014076, OMIM 615190.

Submissions (2):

Ambry Genetics
Classification: Uncertain significance for Inborn genetic diseases. Last evaluated: 2025-02-12. Review status: criteria provided, single submitter. Criteria: Ambry Variant Classification Scheme 2023. Collection method: clinical testing. Allele origin: germline.
Comment: The p.Y455C variant (also known as c.1364A>G), located in coding exon 16 of the RTEL1 gene, results from an A to G substitution at nucleotide position 1364. The tyrosine at codon 455 is replaced by cysteine, an amino acid with highly dissimilar properties. This amino acid position is conserved. In addition, this alteration is predicted to be deleterious by in silico analysis. Based on the available evidence, the clinical significance of this variant remains unclear.

Labcorp Genetics (formerly Invitae), Labcorp
Classification: Uncertain significance for Dyskeratosis congenita, autosomal recessive 5; Pulmonary fibrosis and/or bone marrow failure, Telomere-related, 3. Last evaluated: 2024-05-22. Review status: criteria provided, single submitter. Criteria: Invitae Variant Classification Sherloc (09022015). Collection method: clinical testing. Allele origin: germline.
Comment: This sequence change replaces tyrosine, which is neutral and polar, with cysteine, which is neutral and slightly polar, at codon 455 of the RTEL1 protein (p.Tyr455Cys). This variant is not present in population databases (gnomAD no frequency). This variant has not been reported in the literature in individuals affected with RTEL1-related conditions. An algorithm developed to predict the effect of missense changes on protein structure and function (PolyPhen-2) suggests that this variant is likely to be disruptive. In summary, the available evidence is currently insufficient to determine the role of this variant in disease. Therefore, it has been classified as a Variant of Uncertain Significance.

NM_001283009.2(RTEL1):c.1364A>G (p.Tyr455Cys)

Genes: RTEL1 (regulator of telomere elongation helicase 1; plus strand), RTEL1-TNFRSF6B (RTEL1-TNFRSF6B readthrough (NMD candidate); plus strand). Cytogenetic location: 20q13.33.
Variant type: single nucleotide variant.
Coding change: c.1364A>G on transcript NM_001283009.2 (MANE Select); coding-DNA position 1364, A replaced by G.
Protein change: p.Tyr455Cys; replaces tyrosine 455 with cysteine.
Molecular consequence: missense variant. On other transcripts: non-coding transcript variant (1).
Genome position (GRCh38, 1-based): chr20:63,687,653, A>G. VCF-style: chr20-63687653-A-G. GRCh37 (hg19) VCF-style: chr20-62319006-A-G.
Other names: c.695A>G, p.Tyr232Cys (NM_001283010.1); c.1364A>G, p.Tyr455Cys (NM_016434.4); c.1436A>G, p.Tyr479Cys (NM_032957.5); short protein forms Y232C, Y455C, Y479C.
Identifiers: ClinVar variation 3749921 (VCV003749921.3).